The following is an entry in ClinVar:

ClinVar aggregate classification (germline): Uncertain significance (1 of 4 stars; one submission).

Conditions:
FG syndrome (FGS). Identifiers: MedGen C0220769, MONDO:0002010.

Submission:

Labcorp Genetics (formerly Invitae), Labcorp
Classification: Uncertain significance for FG syndrome. Last evaluated: 2023-03-04. Review status: criteria provided, single submitter. Criteria: Invitae Variant Classification Sherloc (09022015). Collection method: clinical testing. Allele origin: germline.
Comment: In summary, the available evidence is currently insufficient to determine the role of this variant in disease. Therefore, it has been classified as a Variant of Uncertain Significance. Advanced modeling of protein sequence and biophysical properties (such as structural, functional, and spatial information, amino acid conservation, physicochemical variation, residue mobility, and thermodynamic stability) performed at Invitae indicates that this missense variant is not expected to disrupt MED12 protein function. This variant has not been reported in the literature in individuals affected with MED12-related conditions. This variant is not present in population databases (gnomAD no frequency). This sequence change replaces glycine, which is neutral and non-polar, with valine, which is neutral and non-polar, at codon 630 of the MED12 protein (p.Gly630Val).

NM_005120.3(MED12):c.1889G>T (p.Gly630Val)

Gene: MED12 (mediator complex subunit 12; plus strand). Cytogenetic location: Xq13.1.
Variant type: single nucleotide variant.
Coding change: c.1889G>T on transcript NM_005120.3 (MANE Select); coding-DNA position 1889, G replaced by T.
Protein change: p.Gly630Val; replaces glycine 630 with valine.
Molecular consequence: missense variant.
Genome position (GRCh38, 1-based): chrX:71,124,303, G>T. VCF-style: chrX-71124303-G-T. GRCh37 (hg19) VCF-style: chrX-70344153-G-T.
Other names: short protein forms G630V.
Identifiers: ClinVar variation 2843029 (VCV002843029.3), dbSNP rs2519675509, ClinGen allele CA413509757.